The following is an entry in ClinVar:

ClinVar aggregate classification (germline): Uncertain significance (1 of 4 stars; one submission).

Conditions:
Hereditary breast ovarian cancer syndrome. Also called: Hereditary breast and ovarian cancer syndrome (HBOC); BRCA1- and BRCA2-Associated Hereditary Breast and Ovarian Cancer; Hereditary breast and ovarian cancer syndrome; Breast and ovarian cancer; Hereditary breast and ovarian cancer; Hereditary breast and/or ovarian cancer syndrome. Identifiers: Orphanet 145, MedGen C0677776, MeSH D061325, MONDO:0003582. Disease mechanism: loss of function.

Allele frequency attached by ClinVar (database versions not stated): gnomAD exomes below 0.00001.
gnomAD v4.1: 1 of 1,613,894 alleles (0.000062%); highest among the groups gnomAD compares: Non-Finnish European, 0.000085%; no homozygotes.

Submission:

Labcorp Genetics (formerly Invitae), Labcorp
Classification: Uncertain significance for Hereditary breast ovarian cancer syndrome. Last evaluated: 2017-08-10. Review status: criteria provided, single submitter. Criteria: Invitae Variant Classification Sherloc (09022015). Collection method: clinical testing. Allele origin: germline.
Comment: This sequence change replaces threonine with serine at codon 64 of the BRCA2 protein (p.Thr64Ser). The threonine residue is highly conserved and there is a small physicochemical difference between threonine and serine. This variant is not present in population databases (ExAC no frequency). This variant has not been reported in the literature in individuals with BRCA2-related disease. Algorithms developed to predict the effect of missense changes on protein structure and function (SIFT, PolyPhen-2, Align-GVGD) all suggest that this variant is likely to be tolerated, but these predictions have not been confirmed by published functional studies and their clinical significance is uncertain. In summary, the available evidence is currently insufficient to determine the role of this variant in disease. Therefore, it has been classified as a Variant of Uncertain Significance.

NM_000059.4(BRCA2):c.190A>T (p.Thr64Ser)

Gene: BRCA2 (BRCA2 DNA repair associated; plus strand). Cytogenetic location: 13q13.1.
Variant type: single nucleotide variant.
Coding change: c.190A>T on transcript NM_000059.4 (MANE Select); coding-DNA position 190, A replaced by T.
Protein change: p.Thr64Ser; replaces threonine 64 with serine.
Molecular consequence: missense variant.
Genome position (GRCh38, 1-based): chr13:32,319,199, A>T. VCF-style: chr13-32319199-A-T. GRCh37 (hg19) VCF-style: chr13-32893336-A-T.
Other names: short protein forms T64S.
Identifiers: ClinVar variation 531328 (VCV000531328.9), dbSNP rs1555280376, ClinGen allele CA387754366.